The following is an entry in ClinVar:

ClinVar aggregate classification (germline): Uncertain significance (1 of 4 stars; one submission).

gnomAD v4.1: 3 of 1,613,930 alleles (0.00019%); highest among the groups gnomAD compares: Admixed American, 0.005%; no homozygotes.

Submission:

Labcorp Genetics (formerly Invitae), Labcorp
Classification: Uncertain significance. Last evaluated: 2025-04-21. Review status: criteria provided, single submitter. Criteria: Invitae Variant Classification Sherloc (09022015). Collection method: clinical testing. Allele origin: germline.
Comment: This sequence change replaces aspartic acid, which is acidic and polar, with glutamic acid, which is acidic and polar, at codon 1377 of the RP1 protein (p.Asp1377Glu). This variant is present in population databases (rs538825686, gnomAD 0.009%). This variant has not been reported in the literature in individuals affected with RP1-related conditions. ClinVar contains an entry for this variant (Variation ID: 2074906). An algorithm developed to predict the effect of missense changes on protein structure and function outputs the following: PolyPhen-2: "Benign". The glutamic acid amino acid residue is found in multiple mammalian species, which suggests that this missense change does not adversely affect protein function. In summary, the available evidence is currently insufficient to determine the role of this variant in disease. Therefore, it has been classified as a Variant of Uncertain Significance.

NM_006269.2(RP1):c.4131C>G (p.Asp1377Glu)

Gene: RP1 (RP1 axonemal microtubule associated; plus strand). Cytogenetic location: 8q12.1.
Variant type: single nucleotide variant.
Coding change: c.4131C>G on transcript NM_006269.2 (MANE Select); coding-DNA position 4131, C replaced by G.
Protein change: p.Asp1377Glu; replaces aspartic acid 1377 with glutamic acid.
Molecular consequence: missense variant. On other transcripts: intron variant (1).
Genome position (GRCh38, 1-based): chr8:54,628,013, C>G. VCF-style: chr8-54628013-C-G. GRCh37 (hg19) VCF-style: chr8-55540573-C-G.
Other names: c.787+5725C>G (NM_001375654.1); short protein forms D1377E.
Identifiers: ClinVar variation 2074906 (VCV002074906.4), dbSNP rs538825686, ClinGen allele CA4751804.
Genomic context (GRCh38, chr8:54,628,013, plus strand): 5'-TTCAACTGAAGAGTTAGAAAGAGGTGATGACATTCAGAAAGATCTAAATATTTTGACAGA[C>G]CCTGAATATAAAAATGGATTTAATACATTGGTGTCACATCAAAATGTCAGTAATTTAAGC-3'
Protein context (NP_006260.1, residues 1367-1387): DIQKDLNILT[Asp1377Glu]PEYKNGFNTL